The following is an entry in ClinVar:

NM_025114.4(CEP290):c.998A>C (p.Asn333Thr)

Gene: CEP290 (centrosomal protein 290; minus strand). Cytogenetic location: 12q21.32.
Variant type: single nucleotide variant.
Coding change: c.998A>C on transcript NM_025114.4 (MANE Select); coding-DNA position 998, A replaced by C.
Protein change: p.Asn333Thr; replaces asparagine 333 with threonine.
Molecular consequence: missense variant.
Genome position (GRCh38, 1-based): chr12:88,126,383, T>G on the plus strand (A>C on the coding strand, the complement: CEP290 is on the minus strand). VCF-style: chr12-88126383-T-G. GRCh37 (hg19) VCF-style: chr12-88520160-T-G.
Other names: short protein forms N333T.
Identifiers: ClinVar variation 855452 (VCV000855452.8), dbSNP rs376033047, ClinGen allele CA6712638.

ClinVar aggregate classification (germline): Uncertain significance. Review status: criteria provided, multiple submitters, no conflicts (2 of 4 stars). 6 submissions from 6 submitters: Uncertain significance (5). 1 of the submissions does not count toward it. Last evaluated 2026-01-06.

Conditions:
Inborn genetic diseases. Identifiers: MedGen C0950123, MeSH D030342.
Leber congenital amaurosis (LCA). Also called: Leber's amaurosis. Identifiers: Orphanet 65, MedGen C0339527, MeSH D057130, MONDO:0018998.
CEP290-related disorder. Also called: CEP290-related condition; CEP290-related disorders. Identifiers: MedGen CN239314.
Nephronophthisis. Also called: Juvenile Nephronophthisis. Identifiers: Orphanet 655, MedGen C0687120, MONDO:0019005, HP:0000090.
Meckel-Gruber syndrome. Also called: GRUBER SYNDROME; DYSENCEPHALIA SPLANCHNOCYSTICA; Dysencephalia splachnocystica. Identifiers: Orphanet 564, MedGen C0265215, MONDO:0018921.
Joubert syndrome. Also called: Familial aplasia of the vermis; JOUBERT-BOLTSHAUSER SYNDROME. Identifiers: Orphanet 475, MedGen C5979921, MONDO:0018772.

Allele frequency attached by ClinVar (database versions not stated): gnomAD exomes 0.00001 and 0.00009; TOPMed 0.00004; ExAC 0.00005; gnomAD 0.00005; ESP Exome Variant Server 0.00017.

Submissions (6):

PreventionGenetics, part of Exact Sciences
Classification: Uncertain significance for CEP290-related condition. Last evaluated: 2026-01-06. Review status: criteria provided, single submitter. Criteria: ACMG Guidelines, 2015. Collection method: clinical testing. Allele origin: germline.
Comment: The CEP290 c.998A>C variant is predicted to result in the amino acid substitution p.Asn333Thr. To our knowledge, this variant has not been reported in the literature. This variant is reported in 0.0033% of alleles in individuals of European (Non-Finnish) descent in gnomAD. At this time, the clinical significance of this variant is uncertain due to the absence of conclusive functional and genetic evidence.

Ambry Genetics
Classification: Uncertain significance for Inborn genetic diseases. Last evaluated: 2024-05-28. Review status: criteria provided, single submitter. Criteria: Ambry Variant Classification Scheme 2023. Collection method: clinical testing. Allele origin: germline.

GeneDx
Classification: Uncertain significance. Last evaluated: 2022-07-21. Review status: criteria provided, single submitter. Criteria: GeneDx Variant Classification Process June 2021. Collection method: clinical testing. Allele origin: germline. Affected: yes.
Comment: Not observed at significant frequency in large population cohorts (gnomAD); In silico analysis supports that this missense variant does not alter protein structure/function; Has not been previously published as pathogenic or benign to our knowledge

Labcorp Genetics (formerly Invitae), Labcorp
Classification: Uncertain significance for Joubert syndrome; Meckel-Gruber syndrome; Nephronophthisis. Last evaluated: 2022-06-29. Review status: criteria provided, single submitter. Criteria: Invitae Variant Classification Sherloc (09022015). Collection method: clinical testing. Allele origin: germline.
Comment: This sequence change replaces asparagine, which is neutral and polar, with threonine, which is neutral and polar, at codon 333 of the CEP290 protein (p.Asn333Thr). This variant is present in population databases (rs376033047, gnomAD 0.004%). This variant has not been reported in the literature in individuals affected with CEP290-related conditions. ClinVar contains an entry for this variant (Variation ID: 855452). Algorithms developed to predict the effect of missense changes on protein structure and function (SIFT, PolyPhen-2, Align-GVGD) all suggest that this variant is likely to be tolerated. In summary, the available evidence is currently insufficient to determine the role of this variant in disease. Therefore, it has been classified as a Variant of Uncertain Significance.

Blueprint Genetics
Classification: Uncertain significance. Last evaluated: 2019-10-15. Review status: criteria provided, single submitter. Criteria: ACMG Guidelines, 2015. Collection method: clinical testing. Allele origin: germline.

Natera, Inc.
Classification: Uncertain significance for Leber congenital amaurosis. Last evaluated: 2020-09-16. Review status: no assertion criteria provided. Collection method: clinical testing. Allele origin: germline. Not counted in ClinVar's aggregate classification.